The following is an entry in ClinVar:

ClinVar aggregate classification (germline): Uncertain significance. Review status: criteria provided, multiple submitters, no conflicts (2 of 4 stars). 2 submissions from 2 submitters: Uncertain significance (2). Last evaluated 2024-10-13.

Submissions (2):

Labcorp Genetics (formerly Invitae), Labcorp
Classification: Uncertain significance. Last evaluated: 2024-10-13. Review status: criteria provided, single submitter. Criteria: Invitae Variant Classification Sherloc (09022015). Collection method: clinical testing. Allele origin: germline.
Comment: This sequence change replaces alanine, which is neutral and non-polar, with valine, which is neutral and non-polar, at codon 1158 of the TET2 protein (p.Ala1158Val). This variant is not present in population databases (gnomAD no frequency). This variant has not been reported in the literature in individuals affected with TET2-related conditions. An algorithm developed to predict the effect of missense changes on protein structure and function (PolyPhen-2) suggests that this variant is likely to be disruptive. Algorithms developed to predict the effect of sequence changes on RNA splicing suggest that this variant may disrupt the consensus splice site. In summary, the available evidence is currently insufficient to determine the role of this variant in disease. Therefore, it has been classified as a Variant of Uncertain Significance.

GeneDx
Classification: Uncertain significance. Last evaluated: 2023-06-04. Review status: criteria provided, single submitter. Criteria: GeneDx Variant Classification Process June 2021. Collection method: clinical testing. Allele origin: germline. Affected: yes.
Comment: Not observed at significant frequency in large population cohorts (gnomAD); In silico analysis supports that this missense variant has a deleterious effect on protein structure/function; In silico analysis supports a deleterious effect on splicing; Has not been previously published as pathogenic or benign to our knowledge

NM_001127208.3(TET2):c.3473C>T (p.Ala1158Val)

Genes: TET2 (tet methylcytosine dioxygenase 2; plus strand), TET2-AS1 (TET2 antisense RNA 1; minus strand). Cytogenetic location: 4q24.
Variant type: single nucleotide variant.
Coding change: c.3473C>T on transcript NM_001127208.3 (MANE Select); coding-DNA position 3473, C replaced by T.
Protein change: p.Ala1158Val; replaces alanine 1158 with valine.
Molecular consequence: missense variant. On other transcripts: 3 prime UTR variant (1).
Genome position (GRCh38, 1-based): chr4:105,241,402, C>T. VCF-style: chr4-105241402-C-T. GRCh37 (hg19) VCF-style: chr4-106162559-C-T.
Other names: c.*3962C>T (NM_017628.4); short protein forms A1158V.
Identifiers: ClinVar variation 3359485 (VCV003359485.3).